The following is an entry in ClinVar:

NM_001371928.1(AHDC1):c.999A>C (p.Ala333=)

Gene: AHDC1 (AT-hook DNA binding motif containing 1; minus strand). Cytogenetic location: 1p36.11.
Variant type: single nucleotide variant.
Coding change: c.999A>C on transcript NM_001371928.1 (MANE Select); coding-DNA position 999, A replaced by C.
Protein change: p.Ala333=; no amino-acid change (alanine 333 retained).
Molecular consequence: synonymous variant.
Genome position (GRCh38, 1-based): chr1:27,551,117, T>G on the plus strand (A>C on the coding strand, the complement: AHDC1 is on the minus strand). VCF-style: chr1-27551117-T-G. GRCh37 (hg19) VCF-style: chr1-27877628-T-G.
Other names: c.999A>C, p.Ala333= (NM_001029882.3).
Identifiers: ClinVar variation 4874898 (VCV004874898.2).

ClinVar aggregate classification (germline): Likely benign (1 of 4 stars; one submission).

Submission:

CeGaT Center for Human Genetics Tuebingen
Classification: Likely benign. Last evaluated: 2026-05-01. Review status: criteria provided, single submitter. Criteria: CeGaT Center For Human Genetics Tuebingen Variant Classification Criteria Version 2. Collection method: clinical testing. Allele origin: germline. Affected: yes. Observed: 1 variant allele.
Comment: AHDC1: PM2:Supporting, BP4, BP7